The following is an entry in ClinVar:

ClinVar aggregate classification (germline): Uncertain significance (1 of 4 stars; one submission).

Conditions:
Familial cold autoinflammatory syndrome 3 (FCAS3). Also called: ANTIBODY DEFICIENCY AND IMMUNE DYSREGULATION, PLCG2-ASSOCIATED; FAMILIAL ATYPICAL COLD URTICARIA. Identifiers: Orphanet 300359, MedGen C3280914, MONDO:0013766, OMIM 614468.

Allele frequency attached by ClinVar (database versions not stated): gnomAD exomes below 0.00001.

Submission:

Labcorp Genetics (formerly Invitae), Labcorp
Classification: Uncertain significance for Familial cold autoinflammatory syndrome 3. Last evaluated: 2019-05-18. Review status: criteria provided, single submitter. Criteria: Invitae Variant Classification Sherloc (09022015). Collection method: clinical testing. Allele origin: germline.
Comment: This sequence change falls in intron 23 of the PLCG2 gene. It does not directly change the encoded amino acid sequence of the PLCG2 protein, but it affects a nucleotide within the consensus splice site of the intron. In summary, the available evidence is currently insufficient to determine the role of this variant in disease. Therefore, it has been classified as a Variant of Uncertain Significance. Nucleotide substitutions within the consensus splice site are a relatively common cause of aberrant splicing (PMID: 17576681, 9536098). Algorithms developed to predict the effect of sequence changes on RNA splicing suggest that this variant is not likely to affect RNA splicing, but this prediction has not been confirmed by published transcriptional studies. This variant has not been reported in the literature in individuals with PLCG2-related conditions. This variant is not present in population databases (ExAC no frequency).

Literature cited by the submitters: PubMed 17576681; PubMed 9536098.

NM_002661.5(PLCG2):c.2515-3C>T

Gene: PLCG2 (phospholipase C gamma 2; plus strand). Cytogenetic location: 16q23.3.
Variant type: single nucleotide variant.
Coding change: c.2515-3C>T on transcript NM_002661.5 (MANE Select); 3 bases into the intron before coding-DNA position 2515, C replaced by T.
Molecular consequence: intron variant.
Genome position (GRCh38, 1-based): chr16:81,928,555, C>T. VCF-style: chr16-81928555-C-T. GRCh37 (hg19) VCF-style: chr16-81962160-C-T.
Identifiers: ClinVar variation 947937 (VCV000947937.8), dbSNP rs751118241, ClinGen allele CA623771368.